The following is an entry in ClinVar:

ClinVar aggregate classification (germline): Uncertain significance. Review status: criteria provided, multiple submitters, no conflicts (2 of 4 stars). 2 submissions from 2 submitters: Uncertain significance (2). Last evaluated 2019-10-21.

Conditions:
Hereditary cancer-predisposing syndrome. Also called: Neoplastic Syndromes, Hereditary; Tumor predisposition; Hereditary Cancer Syndrome; Hereditary neoplastic syndrome. Identifiers: Orphanet 140162, MedGen C0027672, MeSH D009386, MONDO:0015356.
Familial cancer of breast. Also called: BREAST CANCER, FAMILIAL; hereditary breast carcinoma; Hereditary breast cancer. Identifiers: Orphanet 227535, MedGen C0346153, MONDO:0016419, OMIM 114480. Disease mechanism: loss of function.

Submissions (2):

Ambry Genetics
Classification: Uncertain significance for Hereditary cancer-predisposing syndrome. Last evaluated: 2019-10-21. Review status: criteria provided, single submitter. Criteria: Ambry Variant Classification Scheme 2023. Collection method: clinical testing. Allele origin: germline.
Comment: The c.123_125delCTC variant (also known as p.S42del) is located in coding exon 1 of the CHEK2 gene. This variant results from an in-frame CTC deletion at nucleotide positions 123 to 125. This results in the in-frame deletion of a serine at codon 42. This amino acid position is highly conserved in available vertebrate species. In addition, this alteration is predicted to be neutral by in silico analysis (Choi Y et al. PLoS ONE. 2012; 7(10):e46688). Since supporting evidence is limited at this time, the clinical significance of this alteration remains unclear.

Labcorp Genetics (formerly Invitae), Labcorp
Classification: Uncertain significance for Familial cancer of breast. Last evaluated: 2018-10-04. Review status: criteria provided, single submitter. Criteria: Invitae Variant Classification Sherloc (09022015). Collection method: clinical testing. Allele origin: germline.
Comment: This variant, c.123_125delCTC, results in the deletion of 1 amino acid(s) of the CHEK2 protein (p.Ser42del), but otherwise preserves the integrity of the reading frame. This variant is not present in population databases (ExAC no frequency). This variant has not been reported in the literature in individuals with CHEK2-related disease. Experimental studies and prediction algorithms are not available for this variant, and the functional significance of the affected amino acid(s) is currently unknown. In summary, the available evidence is currently insufficient to determine the role of this variant in disease. Therefore, it has been classified as a Variant of Uncertain Significance.

NM_007194.4(CHEK2):c.120CTC[1] (p.Ser42del)

Gene: CHEK2 (checkpoint kinase 2; minus strand). Cytogenetic location: 22q12.1.
Variant type: Microsatellite.
Coding change: c.120CTC[1] on transcript NM_007194.4 (MANE Select); one copy of the 3-base unit CTC starting at c.120; the reference has two copies in a row; one copy, 3 bases deleted.
Protein change: p.Ser42del; deletes serine 42.
Molecular consequence: inframe deletion. On other transcripts: inframe indel (3).
Genome position (GRCh38, 1-based): chr22:28,734,597-28,734,599, GAG deleted on the plus strand (CTC on the coding strand, the reverse complement: CHEK2 is on the minus strand); deleting any 3 consecutive bases within chr22:28,734,597-28,734,602 gives the same sequence; the position shown is the placement nearest the transcript's 3' end. VCF-style (leftmost placement, unchanged base first): chr22-28734596-AGAG-A. GRCh37 (hg19) VCF-style: chr22-29130584-AGAG-A.
Other names: c.120_122CTC[1], p.Ser42del (NM_001005735.3, NM_001349956.3, NM_145862.3); c.-658_-656CTC[1] (NM_001257387.3); short protein forms S42del.
Identifiers: ClinVar variation 639420 (VCV000639420.14), dbSNP rs1294840272, ClinGen allele CA638954364.